The following is an entry in ClinVar:

ClinVar aggregate classification (germline): Likely pathogenic. Review status: criteria provided, multiple submitters, no conflicts (2 of 4 stars). 2 submissions from 2 submitters: Likely pathogenic (2). Last evaluated 2024-05-15.

Conditions:
MOCOS-related disorder. Also called: MOCOS-related condition.
Xanthinuria type II. Also called: Xanthine dehydrogenase and aldehyde oxidase combined deficiency of; XDH and AOX dual deficiency. Identifiers: Orphanet 3467, Orphanet 93602, MedGen C1863688, MONDO:0011346, OMIM 603592.

Allele frequency attached by ClinVar (database versions not stated): gnomAD exomes 0.00001.
gnomAD v4.1: 3 of 1,614,202 alleles (0.00019%); highest among the groups gnomAD compares: Non-Finnish European, 0.00025%; no homozygotes.

Submissions (2):

Fulgent Genetics
Classification: Likely pathogenic for Xanthinuria type II. Last evaluated: 2024-05-15. Review status: criteria provided, single submitter. Criteria: ACMG Guidelines, 2015. Collection method: clinical testing. Allele origin: germline.

PreventionGenetics, part of Exact Sciences
Classification: Likely pathogenic for MOCOS-related condition. Last evaluated: 2023-03-30. Review status: criteria provided, single submitter. Criteria: ACMG Guidelines, 2015. Collection method: clinical testing. Allele origin: germline.
Comment: The MOCOS c.2287G>T variant is predicted to result in premature protein termination (p.Glu763*). To our knowledge, this variant has not been reported in the literature or in a large population database, indicating this variant is rare. Nonsense variants in MOCOS are expected to be pathogenic. This variant is interpreted as likely pathogenic.

NM_017947.4(MOCOS):c.2287G>T (p.Glu763Ter)

Gene: MOCOS (molybdenum cofactor sulfurase; plus strand). Cytogenetic location: 18q12.2.
Variant type: single nucleotide variant.
Coding change: c.2287G>T on transcript NM_017947.4 (MANE Select); coding-DNA position 2287, G replaced by T.
Protein change: p.Glu763Ter; replaces glutamic acid 763 with a stop codon.
Molecular consequence: nonsense.
Genome position (GRCh38, 1-based): chr18:36,260,053, G>T. VCF-style: chr18-36260053-G-T. GRCh37 (hg19) VCF-style: chr18-33840016-G-T.
Other names: short protein forms E763*.
Identifiers: ClinVar variation 2633841 (VCV002633841.2), dbSNP rs2510984845, ClinGen allele CA402290933.